The following is an entry in ClinVar:

ClinVar aggregate classification (germline): Pathogenic/Likely pathogenic. Review status: criteria provided, multiple submitters, no conflicts (2 of 4 stars). 2 submissions from 2 submitters: Pathogenic (1); Likely pathogenic (1). Last evaluated 2025-08-08.

Conditions:
Deficiency of UDPglucose-hexose-1-phosphate uridylyltransferase. Also called: GALACTOSEMIA I; GALACTOSE-1-PHOSPHATE URIDYLYLTRANSFERASE DEFICIENCY; GALT deficiency; Galactosemia, classic; Transferase Deficiency Galactosemia. Identifiers: Orphanet 352, Orphanet 79239, MedGen C0268151, MONDO:0009258, OMIM 230400.
Galactosemia. Also called: Galactose intolerance. Identifiers: Orphanet 352, MedGen C0016952, MONDO:0018116, HP:0004919. Disease mechanism: loss of function.

Submissions (2):

Natera, Inc.
Classification: Likely pathogenic for Galactosemia. Last evaluated: 2025-08-08. Review status: criteria provided, single submitter. Criteria: Natera Variant Classification Schema (03/2026). Collection method: clinical testing. Allele origin: germline.
Comment: The c.1A>C variant in GALT is predicted to result in start loss due to disruption of the initiator methionine. This variant is expected to result in nonsense mediated decay, truncation, or a dysfunctional protein product. This variant is rare in the general population with a frequency below the threshold expected for the associated phenotype(s). Given the available evidence, this variant is classified as Likely Pathogenic.

Labcorp Genetics (formerly Invitae), Labcorp
Classification: Pathogenic for Deficiency of UDPglucose-hexose-1-phosphate uridylyltransferase. Last evaluated: 2023-08-05. Review status: criteria provided, single submitter. Criteria: Invitae Variant Classification Sherloc (09022015). Collection method: clinical testing. Allele origin: germline.
Comment: For these reasons, this variant has been classified as Pathogenic. This variant disrupts a region of the GALT protein in which other variant(s) (p.Tyr34Asn) have been determined to be pathogenic (PMID: 22461411, 25592817). This suggests that this is a clinically significant region of the protein, and that variants that disrupt it are likely to be disease-causing. Disruption of the initiator codon has been observed in individuals with galactosemia (PMID: 27176039). This variant is not present in population databases (gnomAD no frequency). This sequence change affects the initiator methionine of the GALT mRNA. The next in-frame methionine is located at codon 49.

Literature cited by the submitters: PubMed 22461411 (cited by Labcorp Genetics (formerly Invitae), Labcorp); PubMed 25592817 (cited by Labcorp Genetics (formerly Invitae), Labcorp); PubMed 27176039 (cited by Labcorp Genetics (formerly Invitae), Labcorp).

NM_000155.4(GALT):c.1A>C (p.Met1Leu)

Gene: GALT (galactose-1-phosphate uridylyltransferase; plus strand). Cytogenetic location: 9p13.3.
Variant type: single nucleotide variant.
Coding change: c.1A>C on transcript NM_000155.4 (MANE Select); coding-DNA position 1, A replaced by C.
Protein change: p.Met1Leu; changes the start codon (methionine 1).
Molecular consequence: missense variant, initiator codon variant. On other transcripts: 5 prime UTR variant (1).
Genome position (GRCh38, 1-based): chr9:34,646,705, A>C. VCF-style: chr9-34646705-A-C. GRCh37 (hg19) VCF-style: chr9-34646702-A-C.
Other names: c.-202A>C (NM_001258332.2); c.1A>C (NM_000155.3); short protein forms M1L.
Identifiers: ClinVar variation 2979207 (VCV002979207.4), dbSNP rs111033639, ClinGen allele CA373278153.
Genomic context (GRCh38, chr9:34,646,705, plus strand): 5'-GAGAAAGTGAAAGGTGAGGCACGGCCCTGCAGATTTTCCAGCGGATCCCCCGGTGGCCTC[A>C]TGTCGCGCAGTGGAACCGATCCTCAGCAACGCCAGCAGGCGTCAGAGGCGGACGCCGCAG-3'
Protein context (NP_000146.2, residues 1-11): [Met1Leu]SRSGTDPQQR